The following is an entry in ClinVar:

NM_004370.6(COL12A1):c.1876G>A (p.Ala626Thr)

Gene: COL12A1 (collagen type XII alpha 1 chain; minus strand). Cytogenetic location: 6q13.
Variant type: single nucleotide variant.
Coding change: c.1876G>A on transcript NM_004370.6 (MANE Select); coding-DNA position 1876, G replaced by A.
Protein change: p.Ala626Thr; replaces alanine 626 with threonine.
Molecular consequence: missense variant. On other transcripts: intron variant (2).
Genome position (GRCh38, 1-based): chr6:75,183,065, C>T on the plus strand (G>A on the coding strand, the complement: COL12A1 is on the minus strand). VCF-style: chr6-75183065-C-T. GRCh37 (hg19) VCF-style: chr6-75892781-C-T.
Other names: c.1876G>A, p.Ala626Thr (NM_001424113.1, NM_001424114.1, NM_001424115.1); c.73+19655G>A (NM_001424116.1, NM_080645.3); short protein forms A626T.
Identifiers: ClinVar variation 4789012 (VCV004789012.1).

ClinVar aggregate classification (germline): Uncertain significance (1 of 4 stars; one submission).

Conditions:
Ullrich congenital muscular dystrophy 2 (UCMD2). Identifiers: Orphanet 75840, MedGen C4225314, MONDO:0014654, OMIM 616470.
Bethlem myopathy 2 (BTHLM2). Identifiers: Orphanet 536516, Orphanet 610, MedGen C4225313, MONDO:0034022, OMIM 616471.

gnomAD v4.1: 4 of 1,605,302 alleles (0.00025%); highest among the groups gnomAD compares: African/African-American, 0.0013%; no homozygotes.

Submission:

Labcorp Genetics (formerly Invitae), Labcorp
Classification: Uncertain significance for Bethlem myopathy 2; Ullrich congenital muscular dystrophy 2. Last evaluated: 2025-12-01. Review status: criteria provided, single submitter. Criteria: Invitae Variant Classification Sherloc (09022015). Collection method: clinical testing. Allele origin: germline.
Comment: This sequence change replaces alanine, which is neutral and non-polar, with threonine, which is neutral and polar, at codon 626 of the COL12A1 protein (p.Ala626Thr). This variant is present in population databases (rs373038298, gnomAD 0.02%). This variant has not been reported in the literature in individuals affected with COL12A1-related conditions. Invitae Evidence Modeling of protein sequence and biophysical properties (such as structural, functional, and spatial information, amino acid conservation, physicochemical variation, residue mobility, and thermodynamic stability) indicates that this missense variant is not expected to disrupt COL12A1 protein function with a negative predictive value of 80%. In summary, the available evidence is currently insufficient to determine the role of this variant in disease. Therefore, it has been classified as a Variant of Uncertain Significance.